The following is an entry in ClinVar:

ClinVar aggregate classification (germline): Uncertain significance (1 of 4 stars; one submission).

Conditions:
ABCB6-related disorder. Also called: ABCB6-related condition.

Allele frequency attached by ClinVar (database versions not stated): gnomAD exomes below 0.00001; TOPMed below 0.00001.
gnomAD v4.1: 1 of 1,614,196 alleles (0.000062%); highest among the groups gnomAD compares: Non-Finnish European, 0.000085%; no homozygotes.

Submission:

PreventionGenetics, part of Exact Sciences
Classification: Uncertain significance for ABCB6-related condition. Last evaluated: 2022-10-25. Review status: criteria provided, single submitter. Criteria: ACMG Guidelines, 2015. Collection method: clinical testing. Allele origin: germline.
Comment: The ABCB6 c.2313A>C variant is predicted to result in the amino acid substitution p.Lys771Asn. To our knowledge, this variant has not been reported in the literature or in a large population database, indicating this variant is rare. At this time, the clinical significance of this variant is uncertain due to the absence of conclusive functional and genetic evidence.

NM_005689.4(ABCB6):c.2313A>C (p.Lys771Asn)

Gene: ABCB6 (ATP binding cassette subfamily B member 6 (LAN blood group); minus strand). Cytogenetic location: 2q35.
Variant type: single nucleotide variant.
Coding change: c.2313A>C on transcript NM_005689.4 (MANE Select); coding-DNA position 2313, A replaced by C.
Protein change: p.Lys771Asn; replaces lysine 771 with asparagine.
Molecular consequence: missense variant.
Genome position (GRCh38, 1-based): chr2:219,210,419, T>G on the plus strand (A>C on the coding strand, the complement: ABCB6 is on the minus strand). VCF-style: chr2-219210419-T-G. GRCh37 (hg19) VCF-style: chr2-220075141-T-G.
Other names: c.2175A>C, p.Lys725Asn (NM_001349828.2); short protein forms K725N, K771N.
Identifiers: ClinVar variation 2637002 (VCV002637002.1), dbSNP rs1190925995, ClinGen allele CA350682130.